The following is an entry in ClinVar:

ClinVar aggregate classification (germline): Likely pathogenic (1 of 4 stars; one submission).

Conditions:
Perlman syndrome (PRLMNS). Identifiers: Orphanet 2849, MedGen C0796113, MONDO:0009965, OMIM 267000.

Submission:

Labcorp Genetics (formerly Invitae), Labcorp
Classification: Likely pathogenic for Perlman syndrome. Last evaluated: 2023-08-14. Review status: criteria provided, single submitter. Criteria: Invitae Variant Classification Sherloc (09022015). Collection method: clinical testing. Allele origin: unknown.
Comment: In summary, the currently available evidence indicates that the variant is pathogenic, but additional data are needed to prove that conclusively. Therefore, this variant has been classified as Likely Pathogenic. This variant has not been reported in the literature in individuals affected with DIS3L2-related conditions. This variant results in the deletion of exon 16 and part of exon 15 (c.1813_2011-1496del) of the DIS3L2 gene. It is expected to disrupt RNA splicing. Variants that disrupt the donor or acceptor splice site typically lead to a loss of protein function (PMID: 16199547), and loss-of-function variants in DIS3L2 are known to be pathogenic (PMID: 22306653, 28328139).

Literature cited by the submitters: PubMed 16199547; PubMed 22306653; PubMed 28328139.

NC_000002.11:g.(?_233194596)_(233197054_?)del

Gene: DIS3L2 (DIS3 like 3'-5' exoribonuclease 2; plus strand). Cytogenetic location: 2q37.1.
Variant type: Deletion.
Identifiers: ClinVar variation 3247218 (VCV003247218.1).